The following is an entry in ClinVar:

ClinVar aggregate classification (germline): Uncertain significance. Review status: criteria provided, multiple submitters, no conflicts (2 of 4 stars). 4 submissions from 4 submitters: Uncertain significance (4). Last evaluated 2025-03-17.

Conditions:
Multiple congenital anomalies-hypotonia-seizures syndrome 1 (MCAHS1). Also called: GLYCOSYLPHOSPHATIDYLINOSITOL BIOSYNTHESIS DEFECT 3; PIGN-CDG; Congenital disorder of glycosylation due to PIGN deficiency. Identifiers: Orphanet 280633, MedGen C3279775, MONDO:0013563, OMIM 614080.

Allele frequency attached by ClinVar (database versions not stated): TOPMed 0.00002; gnomAD 0.00004 and 0.00005; gnomAD exomes 0.00006; ExAC 0.00009; 1000 Genomes Project 30x 0.00031; 1000 Genomes Project 0.00040.
gnomAD v4.1: 31 of 1,595,808 alleles (0.0019%); highest among the groups gnomAD compares: East Asian, 0.065%; no homozygotes.

Submissions (4):

Labcorp Genetics (formerly Invitae), Labcorp
Classification: Uncertain significance for Multiple congenital anomalies-hypotonia-seizures syndrome 1. Last evaluated: 2025-03-17. Review status: criteria provided, single submitter. Criteria: Invitae Variant Classification Sherloc (09022015). Collection method: clinical testing. Allele origin: germline.
Comment: This sequence change replaces glutamine, which is neutral and polar, with arginine, which is basic and polar, at codon 299 of the PIGN protein (p.Gln299Arg). This variant is present in population databases (rs576797024, gnomAD 0.09%). This variant has not been reported in the literature in individuals affected with PIGN-related conditions. ClinVar contains an entry for this variant (Variation ID: 539548). Invitae Evidence Modeling of protein sequence and biophysical properties (such as structural, functional, and spatial information, amino acid conservation, physicochemical variation, residue mobility, and thermodynamic stability) has been performed for this missense variant. However, the output from this modeling did not meet the statistical confidence thresholds required to predict the impact of this variant on PIGN protein function. In summary, the available evidence is currently insufficient to determine the role of this variant in disease. Therefore, it has been classified as a Variant of Uncertain Significance.

Blueprint Genetics
Classification: Uncertain significance. Last evaluated: 2024-10-30. Review status: criteria provided, single submitter. Criteria: ACMG Guidelines, 2015. Collection method: clinical testing. Allele origin: germline.

GeneDx
Classification: Uncertain significance. Last evaluated: 2024-06-17. Review status: criteria provided, single submitter. Criteria: GeneDx Variant Classification Process June 2021. Collection method: clinical testing. Allele origin: germline. Affected: yes.
Comment: In silico analysis indicates that this missense variant does not alter protein structure/function; Has not been previously published as pathogenic or benign to our knowledge

ARUP Laboratories, Molecular Genetics and Genomics, ARUP Laboratories
Classification: Uncertain significance for Multiple congenital anomalies-hypotonia-seizures syndrome 1. Last evaluated: 2023-11-03. Review status: criteria provided, single submitter. Criteria: ARUP Molecular Germline Variant Investigation Process 2024. Collection method: clinical testing. Allele origin: germline.

NM_176787.5(PIGN):c.896A>G (p.Gln299Arg)

Gene: PIGN (phosphatidylinositol glycan anchor biosynthesis class N; minus strand). Cytogenetic location: 18q21.33.
Variant type: single nucleotide variant.
Coding change: c.896A>G on transcript NM_176787.5 (MANE Select); coding-DNA position 896, A replaced by G.
Protein change: p.Gln299Arg; replaces glutamine 299 with arginine.
Molecular consequence: missense variant.
Genome position (GRCh38, 1-based): chr18:62,145,935, T>C on the plus strand (A>G on the coding strand, the complement: PIGN is on the minus strand). VCF-style: chr18-62145935-T-C. GRCh37 (hg19) VCF-style: chr18-59813168-T-C.
Other names: c.896A>G, p.Gln299Arg (NM_012327.6); short protein forms Q299R.
Identifiers: ClinVar variation 539548 (VCV000539548.11), dbSNP rs576797024, ClinGen allele CA8982469.
Genomic context (GRCh38, chr18:62,145,935, plus strand): 5'-TTGTATTTATAAACCAGTAAAGAAATGCTTGTACCTTTCAAAAATGCATCATCAAATTGC[T>C]GAGCTGATACTCTTTGGGGATACTTGATTCCAGCTCCCCAAGTGACTAAAGGAGTTAAAG-3'
Protein context (NP_789744.1, residues 289-309): GIKYPQRVSA[Gln299Arg]QFDDAFLKEW